The following is an entry in ClinVar:

NM_018206.6(VPS35):c.915-120_915-117del

Gene: VPS35 (VPS35 retromer complex component; minus strand). Cytogenetic location: 16q11.2.
Variant type: Deletion.
Coding change: c.915-120_915-117del on transcript NM_018206.6 (MANE Select); 120 bases into the intron before coding-DNA position 915 through 117 bases into the intron before coding-DNA position 915, 4 bases deleted (CAAA; older notation c.915-120_915-117delCAAA).
Molecular consequence: intron variant.
Genome position (GRCh38, 1-based): chr16:46,674,777-46,674,780, TTTG deleted on the plus strand (CAAA on the coding strand, the reverse complement: VPS35 is on the minus strand); deleting any 4 consecutive bases within chr16:46,674,777-46,674,783 gives the same sequence; the c. name uses the placement nearest the transcript's 3' end. VCF-style (leftmost placement, unchanged base first): chr16-46674776-TTTTG-T. GRCh37 (hg19) VCF-style: chr16-46708688-TTTTG-T.
Identifiers: ClinVar variation 2577588 (VCV002577588.1), dbSNP rs1030158643, ClinGen allele CA280214528.
Genomic context (GRCh38, chr16:46,674,776, plus strand): 5'-GATCATGGATGACATCTTATTCTTTATTGCTTTTCTATATTTTGTATGAGCCCAAAAGGT[TTTTG>T]TTTTTTTTGTTTTGTTTTGTTTTGTTTTGAGACAGAGTCTCGCTCTGTCGCCCAGGCTGG-3'

ClinVar aggregate classification (germline): Likely benign (1 of 4 stars; one submission).

Submission:

GeneDx
Classification: Likely benign. Last evaluated: 2020-05-09. Review status: criteria provided, single submitter. Criteria: GeneDx Variant Classification Process June 2021. Collection method: clinical testing. Allele origin: germline. Affected: yes.
Comment: See Variant Classification Assertion Criteria.